The following is an entry in ClinVar:

NM_213653.4(HJV):c.984_985del (p.Arg329fs)

Gene: HJV (hemojuvelin BMP co-receptor; minus strand). Cytogenetic location: 1q21.1.
Variant type: Microsatellite.
Coding change: c.984_985del on transcript NM_213653.4 (MANE Select); coding-DNA positions 984 to 985, 2 bases deleted (TC; older notation c.984_985delTC).
Protein change: p.Arg329fs; shifts the reading frame from arginine 329.
Molecular consequence: frameshift variant.
Genome position (GRCh38, 1-based): chr1:146,018,373-146,018,374, GA deleted on the plus strand (TC on the coding strand, the reverse complement: HJV is on the minus strand); deleting any 2 consecutive bases within chr1:146,018,373-146,018,379 gives the same sequence; the c. name uses the placement nearest the transcript's 3' end. VCF-style (leftmost placement, unchanged base first): chr1-146018372-CGA-C. GRCh37 (hg19) VCF-style: chr1-145416633-ACT-A.
Other names: c.306_307del, p.Arg103fs (NM_001316767.2, NM_202004.4, NM_213652.4); c.984_985del, p.Arg329fs (NM_001379352.1); c.645_646del, p.Arg216fs (NM_145277.5); short protein forms R103fs, R216fs, R329fs.
Identifiers: ClinVar variation 1076870 (VCV001076870.8), dbSNP rs786205063, ClinGen allele CA2580611193.

ClinVar aggregate classification (germline): Pathogenic/Likely pathogenic. Review status: criteria provided, multiple submitters, no conflicts (2 of 4 stars). 2 submissions from 2 submitters: Pathogenic (1); Likely pathogenic (1). Last evaluated 2024-05-06.

Conditions:
Hemochromatosis type 2A (HFE2A). Also called: Adult-Onset Hemochromatosis; HJV (HFE2)-Related Juvenile Hemochromatosis. Identifiers: Orphanet 79230, MedGen C1865614, MONDO:0011216, OMIM 602390.

Submissions (2):

Fulgent Genetics
Classification: Likely pathogenic for Hemochromatosis type 2A. Last evaluated: 2024-05-06. Review status: criteria provided, single submitter. Criteria: ACMG Guidelines, 2015. Collection method: clinical testing. Allele origin: germline.

Labcorp Genetics (formerly Invitae), Labcorp
Classification: Pathogenic. Last evaluated: 2021-11-25. Review status: criteria provided, single submitter. Criteria: Invitae Variant Classification Sherloc (09022015). Collection method: clinical testing. Allele origin: germline.
Comment: This sequence change creates a premature translational stop signal (p.Arg329Ilefs*12) in the HJV gene. While this is not anticipated to result in nonsense mediated decay, it is expected to disrupt the last 98 amino acid(s) of the HJV protein. This variant is not present in population databases (gnomAD no frequency). This variant has not been reported in the literature in individuals affected with HJV-related conditions. This variant disrupts a region of the HJV protein in which other variant(s) (p.Arg385*) have been determined to be pathogenic (PMID: 14982873, 30389309). This suggests that this is a clinically significant region of the protein, and that variants that disrupt it are likely to be disease-causing. For these reasons, this variant has been classified as Pathogenic.

Literature cited by the submitters: PubMed 14982873 (cited by Labcorp Genetics (formerly Invitae), Labcorp); PubMed 30389309 (cited by Labcorp Genetics (formerly Invitae), Labcorp).